The following is an entry in ClinVar:

NM_030962.4(SBF2):c.3098A>G (p.Asn1033Ser)

Genes: SBF2 (SET binding factor 2; minus strand), LOC101928008 (uncharacterized LOC101928008; plus strand). Cytogenetic location: 11p15.4.
Variant type: single nucleotide variant.
Coding change: c.3098A>G on transcript NM_030962.4 (MANE Select); coding-DNA position 3098, A replaced by G.
Protein change: p.Asn1033Ser; replaces asparagine 1033 with serine.
Molecular consequence: missense variant.
Genome position (GRCh38, 1-based): chr11:9,845,577, T>C on the plus strand (A>G on the coding strand, the complement: SBF2 is on the minus strand). VCF-style: chr11-9845577-T-C. GRCh37 (hg19) VCF-style: chr11-9867124-T-C.
Other names: c.3098A>G, p.Asn1033Ser (NM_001386339.1); c.2969A>G, p.Asn990Ser (NM_001386342.1); short protein forms N1033S, N990S.
Identifiers: ClinVar variation 845271 (VCV000845271.10), dbSNP rs1856485648, ClinGen allele CA379632203.

ClinVar aggregate classification (germline): Uncertain significance (1 of 4 stars; one submission).

Conditions:
Charcot-Marie-Tooth disease type 4. Also called: Charcot-Marie-Tooth, Type 4; Charcot-Marie-Tooth disease, type IV. Identifiers: Orphanet 64749, MedGen C4082197, MONDO:0018995.

Allele frequency attached by ClinVar (database versions not stated): gnomAD exomes below 0.00001.
gnomAD v4.1: 1 of 1,613,760 alleles (0.000062%); highest among the groups gnomAD compares: Non-Finnish European, 0.000085%; no homozygotes.

Submission:

Labcorp Genetics (formerly Invitae), Labcorp
Classification: Uncertain significance for Charcot-Marie-Tooth disease type 4. Last evaluated: 2019-01-12. Review status: criteria provided, single submitter. Criteria: Invitae Variant Classification Sherloc (09022015). Collection method: clinical testing. Allele origin: germline.
Comment: This sequence change replaces asparagine with serine at codon 1033 of the SBF2 protein (p.Asn1033Ser). The asparagine residue is moderately conserved and there is a small physicochemical difference between asparagine and serine. This variant is not present in population databases (ExAC no frequency). This variant has not been reported in the literature in individuals with SBF2-related conditions. Algorithms developed to predict the effect of missense changes on protein structure and function output the following: SIFT: "Tolerated"; PolyPhen-2: "Benign"; Align-GVGD: "Class C0". The serine amino acid residue is found in multiple mammalian species, suggesting that this missense change does not adversely affect protein function. These predictions have not been confirmed by published functional studies and their clinical significance is uncertain. In summary, the available evidence is currently insufficient to determine the role of this variant in disease. Therefore, it has been classified as a Variant of Uncertain Significance.